The following is an entry in ClinVar:

NM_001033046.4(CYBC1):c.562T>G (p.Ter188Gly)

Gene: CYBC1 (cytochrome b-245 chaperone 1; minus strand). Cytogenetic location: 17q25.3.
Variant type: single nucleotide variant.
Coding change: c.562T>G on transcript NM_001033046.4 (MANE Select); coding-DNA position 562, T replaced by G.
Protein change: p.Ter188Gly.
Molecular consequence: stop lost. On other transcripts: non-coding transcript variant (4).
Genome position (GRCh38, 1-based): chr17:82,444,006, A>C on the plus strand (T>G on the coding strand, the complement: CYBC1 is on the minus strand). VCF-style: chr17-82444006-A-C. GRCh37 (hg19) VCF-style: chr17-80401882-A-C.
Other names: c.562T>G, p.Ter188Gly (NM_001100407.3, NM_001193653.2, NM_001193654.2 and 2 more transcripts); c.520T>G, p.Ter174Gly (NM_001100408.3).
Identifiers: ClinVar variation 1682687 (VCV001682687.6), dbSNP rs1253571139, ClinGen allele CA401607899.

ClinVar aggregate classification (germline): Uncertain significance (1 of 4 stars; one submission).

Allele frequency attached by ClinVar (database versions not stated): gnomAD exomes below 0.00001; TOPMed below 0.00001.
gnomAD v4.1: 1 of 1,612,302 alleles (0.000062%); highest among the groups gnomAD compares: Non-Finnish European, 0.000085%; no homozygotes.

Submission:

Labcorp Genetics (formerly Invitae), Labcorp
Classification: Uncertain significance. Last evaluated: 2020-10-30. Review status: criteria provided, single submitter. Criteria: Invitae Variant Classification Sherloc (09022015). Collection method: clinical testing. Allele origin: germline.
Comment: In summary, the available evidence is currently insufficient to determine the role of this variant in disease. Therefore, it has been classified as a Variant of Uncertain Significance. Experimental studies and prediction algorithms are not available or were not evaluated, and the functional significance of this variant is currently unknown. This variant has not been reported in the literature in individuals with C17orf62-related conditions. This variant is not present in population databases (ExAC no frequency). This sequence change disrupts the translational stop signal of the C17orf62 mRNA. It is expected to extend the length of the C17orf62 protein by 6 additional amino acid residues.